The following is an entry in ClinVar:

ClinVar aggregate classification (germline): Pathogenic (1 of 4 stars; one submission).

Conditions:
Hereditary cancer-predisposing syndrome. Also called: Neoplastic Syndromes, Hereditary; Tumor predisposition; Hereditary neoplastic syndrome; Hereditary Cancer Syndrome. Identifiers: Orphanet 140162, MedGen C0027672, MeSH D009386, MONDO:0015356.

Submission:

Ambry Genetics
Classification: Pathogenic for Hereditary cancer-predisposing syndrome. Last evaluated: 2022-12-16. Review status: criteria provided, single submitter. Criteria: Ambry Variant Classification Scheme 2023. Collection method: clinical testing. Allele origin: germline.
Comment: The p.E1465* pathogenic mutation (also known as c.4393G>T), located in coding exon 10 of the BRCA2 gene, results from a G to T substitution at nucleotide position 4393. This changes the amino acid from a glutamic acid to a stop codon within coding exon 10. This variant is considered to be rare based on population cohorts in the Genome Aggregation Database (gnomAD). This alteration is expected to result in loss of function by premature protein truncation or nonsense-mediated mRNA decay. As such, this alteration is interpreted as a disease-causing mutation.

NM_000059.4(BRCA2):c.4393G>T (p.Glu1465Ter)

Gene: BRCA2 (BRCA2 DNA repair associated; plus strand). Cytogenetic location: 13q13.1.
Variant type: single nucleotide variant.
Coding change: c.4393G>T on transcript NM_000059.4 (MANE Select); coding-DNA position 4393, G replaced by T.
Protein change: p.Glu1465Ter; replaces glutamic acid 1465 with a stop codon.
Molecular consequence: nonsense. On other transcripts: non-coding transcript variant (1), intron variant (2).
Genome position (GRCh38, 1-based): chr13:32,338,748, G>T. VCF-style: chr13-32338748-G-T. GRCh37 (hg19) VCF-style: chr13-32912885-G-T.
Other names: c.4393G>T, p.Glu1465Ter (NM_001406719.1, NM_001406720.1); c.1909+5361G>T (NM_001406721.1); c.425-5810G>T (NM_001406722.1); short protein forms E1465*.
Identifiers: ClinVar variation 3226779 (VCV003226779.1), dbSNP rs2137505820, ClinGen allele CA387781099.